The following is an entry in ClinVar:

ClinVar aggregate classification (germline): Pathogenic (1 of 4 stars; one submission).

Conditions:
Hereditary cancer-predisposing syndrome. Also called: Neoplastic Syndromes, Hereditary; Hereditary neoplastic syndrome; Tumor predisposition; Hereditary Cancer Syndrome. Identifiers: Orphanet 140162, MedGen C0027672, MeSH D009386, MONDO:0015356.

Submission:

Ambry Genetics
Classification: Pathogenic for Hereditary cancer-predisposing syndrome. Last evaluated: 2026-01-28. Review status: criteria provided, single submitter. Criteria: Ambry Variant Classification Scheme 2023. Collection method: clinical testing. Allele origin: germline.
Comment: The c.1773_1774delCCinsA pathogenic mutation, located in coding exon 6 of the AXIN2 gene, results from the deletion of two nucleotides and insertion of one nucleotide causing a translational frameshift with a predicted alternate stop codon (p.L592Cfs*97). This variant is considered to be rare based on population cohorts in the Genome Aggregation Database (gnomAD). This alteration is expected to result in loss of function by premature protein truncation or nonsense-mediated mRNA decay. As such, this alteration is interpreted as a disease-causing mutation.

NM_004655.4(AXIN2):c.1773_1774delinsA (p.Leu592fs)

Gene: AXIN2 (axin 2; minus strand). Cytogenetic location: 17q24.1.
Variant type: Indel.
Coding change: c.1773_1774delinsA on transcript NM_004655.4 (MANE Select); coding-DNA positions 1773 to 1774, CC replaced by A.
Protein change: p.Leu592fs; shifts the reading frame from leucine 592.
Molecular consequence: frameshift variant. On other transcripts: intron variant (1).
Genome position (GRCh38, 1-based): chr17:65,537,002-65,537,003, GG replaced by T on the plus strand (CC replaced by A on the coding strand, the reverse complement: AXIN2 is on the minus strand). VCF-style: chr17-65537002-GG-T. GRCh37 (hg19) VCF-style: chr17-63533120-GG-T.
Other names: c.1712+321_1712+322delinsA (NM_001363813.1); short protein forms L592fs.
Identifiers: ClinVar variation 4824618 (VCV004824618.1).
Genomic context (GRCh38, chr17:65,537,002, plus strand): 5'-CCTCCCGGGGAAGCTGCAGGGCCCCAGCTCCGCCGGGGGCCCCTCCTTCCCTGGCGGGCA[GG>T]GCCAGGCCCGGCTCCGTGCCTTTCCCATTGCGTTTGGGCAAGGTACTGCCTCTGCTGCCG-3'